The following is an entry in ClinVar:

ClinVar aggregate classification (germline): Uncertain significance (1 of 4 stars; one submission).

Conditions:
EGFR-related lung cancer (EGFR). Identifiers: MedGen CN130014.

Submission:

Labcorp Genetics (formerly Invitae), Labcorp
Classification: Uncertain significance for EGFR-related lung cancer. Last evaluated: 2022-10-29. Review status: criteria provided, single submitter. Criteria: Invitae Variant Classification Sherloc (09022015). Collection method: clinical testing. Allele origin: germline.
Comment: In summary, the available evidence is currently insufficient to determine the role of this variant in disease. Therefore, it has been classified as a Variant of Uncertain Significance. Advanced modeling of protein sequence and biophysical properties (such as structural, functional, and spatial information, amino acid conservation, physicochemical variation, residue mobility, and thermodynamic stability) performed at Invitae indicates that this missense variant is expected to disrupt EGFR protein function. This variant has not been reported in the literature in individuals affected with EGFR-related conditions. This variant is not present in population databases (gnomAD no frequency). This sequence change replaces tyrosine, which is neutral and polar, with cysteine, which is neutral and slightly polar, at codon 1016 of the EGFR protein (p.Tyr1016Cys).

NM_005228.5(EGFR):c.3047A>G (p.Tyr1016Cys)

Gene: EGFR (epidermal growth factor receptor; plus strand). Cytogenetic location: 7p11.2.
Variant type: single nucleotide variant.
Coding change: c.3047A>G on transcript NM_005228.5 (MANE Select); coding-DNA position 3047, A replaced by G.
Protein change: p.Tyr1016Cys; replaces tyrosine 1016 with cysteine.
Molecular consequence: missense variant.
Genome position (GRCh38, 1-based): chr7:55,201,288, A>G. VCF-style: chr7-55201288-A-G. GRCh37 (hg19) VCF-style: chr7-55268981-A-G.
Other names: c.2912A>G, p.Tyr971Cys (NM_001346897.2, NM_001346899.2); c.3047A>G, p.Tyr1016Cys (NM_001346898.2); c.2888A>G, p.Tyr963Cys (NM_001346900.2); c.2246A>G, p.Tyr749Cys (NM_001346941.2); short protein forms Y971C, Y1016C, Y963C, Y749C.
Identifiers: ClinVar variation 2810489 (VCV002810489.3), dbSNP rs2128971667, ClinGen allele CA367582556.
Genomic context (GRCh38, chr7:55,201,288, plus strand): 5'-ACTTCTACCGTGCCCTGATGGATGAAGAAGACATGGACGACGTGGTGGATGCCGACGAGT[A>G]CCTCATCCCACAGCAGGGCTTCTTCAGCAGCCCCTCCACGTCACGGACTCCCCTCCTGAG-3'
Protein context (NP_005219.2, residues 1006-1026): DMDDVVDADE[Tyr1016Cys]LIPQQGFFSS